The following is an entry in ClinVar:

ClinVar aggregate classification (germline): Uncertain significance (1 of 4 stars; one submission).

Conditions:
Acromesomelic dysplasia 1, Maroteaux type (AMD1). Also called: ST. HELENA DYSPLASIA; ACROMESOMELIC DYSPLASIA 1. Identifiers: Orphanet 40, MedGen C1864356, MONDO:0011275, OMIM 602875.
Tall stature-scoliosis-macrodactyly of the great toes syndrome. Also called: Epiphyseal chondrodysplasia, miura type. Identifiers: Orphanet 329191, MedGen C4014690, MONDO:0014401, OMIM 615923.
Short stature with nonspecific skeletal abnormalities 1 (SNSK1). Identifiers: MedGen CN379227, MONDO:0014551, OMIM 616255.

gnomAD v4.1: 2 of 1,613,852 alleles (0.00012%); highest among the groups gnomAD compares: South Asian, 0.0011%; no homozygotes.

Submission:

Juno Genomics, Hangzhou Juno Genomics, Inc
Classification: Uncertain significance for Acromesomelic dysplasia 1, Maroteaux type; Tall stature-scoliosis-macrodactyly of the great toes syndrome; Short stature with nonspecific skeletal abnormalities 1. Review status: criteria provided, single submitter. Criteria: ACMG Guidelines, 2015. Collection method: clinical testing. Allele origin: germline.
Comment: Absent from controls (or at extremely low frequency if recessive) in Genome Aggregation Database.;Missense variant in a gene that has a low rate of benign missense variation.;Multiple lines of computational evidence support a deleterious effect on the gene or gene product.

NM_003995.4(NPR2):c.3059G>C (p.Arg1020Pro)

Genes: NPR2 (natriuretic peptide receptor 2; plus strand), SPAG8 (sperm associated antigen 8; minus strand). Cytogenetic location: 9p13.3.
Variant type: single nucleotide variant.
Coding change: c.3059G>C on transcript NM_003995.4 (MANE Select); coding-DNA position 3059, G replaced by C.
Protein change: p.Arg1020Pro; replaces arginine 1020 with proline.
Molecular consequence: missense variant. On other transcripts: intron variant (2).
Genome position (GRCh38, 1-based): chr9:35,809,228, G>C. VCF-style: chr9-35809228-G-C. GRCh37 (hg19) VCF-style: chr9-35809225-G-C.
Other names: c.3068G>C, p.Arg1023Pro (NM_001378923.1); c.1201-922C>G (NM_001366760.2); c.1372+176C>G (NM_172312.2); short protein forms R1020P, R1023P.
Identifiers: ClinVar variation 5019363 (VCV005019363.2).